The following is an entry in ClinVar:

ClinVar aggregate classification (germline): Likely benign (1 of 4 stars; one submission).

gnomAD v4.1: 6,694 of 1,614,068 alleles (0.41%); highest among the groups gnomAD compares: South Asian, 0.67%; 26 homozygotes.

Submission:

CeGaT Center for Human Genetics Tuebingen
Classification: Likely benign. Last evaluated: 2025-05-01. Review status: criteria provided, single submitter. Criteria: CeGaT Center For Human Genetics Tuebingen Variant Classification Criteria Version 2. Collection method: clinical testing. Allele origin: germline. Affected: yes. Observed: 1 variant allele.
Comment: CELA3B: BS2; ENSG00000285959: BS2

NM_007352.4(CELA3B):c.415G>A (p.Val139Ile)

Gene: CELA3B (chymotrypsin like elastase 3B; plus strand). Cytogenetic location: 1p36.12.
Variant type: single nucleotide variant.
Coding change: c.415G>A on transcript NM_007352.4 (MANE Select); coding-DNA position 415, G replaced by A.
Protein change: p.Val139Ile; replaces valine 139 with isoleucine.
Molecular consequence: missense variant.
Genome position (GRCh38, 1-based): chr1:21,983,746, G>A. VCF-style: chr1-21983746-G-A. GRCh37 (hg19) VCF-style: chr1-22310239-G-A.
Other names: short protein forms V139I.
Identifiers: ClinVar variation 3904843 (VCV003904843.10).